The following is an entry in ClinVar:

NM_001165963.4(SCN1A):c.2963T>G (p.Leu988Arg)

Gene: SCN1A (sodium voltage-gated channel alpha subunit 1; minus strand). Cytogenetic location: 2q24.3.
Variant type: single nucleotide variant.
Coding change: c.2963T>G on transcript NM_001165963.4 (MANE Select); coding-DNA position 2963, T replaced by G.
Protein change: p.Leu988Arg; replaces leucine 988 with arginine.
Molecular consequence: missense variant. On other transcripts: non-coding transcript variant (1).
Genome position (GRCh38, 1-based): chr2:166,036,514, A>C on the plus strand (T>G on the coding strand, the complement: SCN1A is on the minus strand). VCF-style: chr2-166036514-A-C. GRCh37 (hg19) VCF-style: chr2-166893024-A-C.
Other names: c.2879T>G, p.Leu960Arg (NM_001165964.3, NM_001353957.2, NM_001353958.2); c.2963T>G, p.Leu988Arg (NM_001202435.3, NM_001353948.2); c.2930T>G, p.Leu977Arg (NM_001353949.2, NM_001353950.2, NM_001353951.2 and 2 more transcripts); c.2927T>G, p.Leu976Arg (NM_001353954.2, NM_001353955.2); c.2876T>G, p.Leu959Arg (NM_001353960.2); c.521T>G, p.Leu174Arg (NM_001353961.2); short protein forms L174R, L959R, L960R, L976R, L977R, L988R.
Identifiers: ClinVar variation 978265 (VCV000978265.4), dbSNP rs1696403356, ClinGen allele CA349060603.

ClinVar aggregate classification (germline): Likely pathogenic (1 of 4 stars; one submission).

Conditions:
Severe myoclonic epilepsy in infancy (DRVT). Also called: Dravet syndrome; DEVELOPMENTAL AND EPILEPTIC ENCEPHALOPATHY 6A; Epileptic encephalopathy, early infantile, 6 (Dravet syndrome); Severe Myoclonic Epilepsy in Infancy (SMEI); SEVERE MYOCLONIC EPILEPSY OF INFANCY. Identifiers: Orphanet 33069, MedGen C0751122, MONDO:0100135, OMIM 607208.

Submission:

Human Genetics Unit, University Of Colombo
Classification: Likely pathogenic for Severe myoclonic epilepsy in infancy. Last evaluated: 2019-05-10. Review status: criteria provided, single submitter. Criteria: ACMG Guidelines, 2015. Collection method: clinical testing. Allele origin: de novo. Inheritance: Autosomal dominant inheritance. Affected: yes. Observed: 1 heterozygote.
Comment: This mutation is not found in global population frequency databases or in our internal exome database. This variant is located in an area of the SCN1A gene that is highly conserved in different species of animals during evolution and it causes a non-conservative substitution of amino acids. According to ACMG criteria (2015), this variant can be classified as likely pathogenic.

Literature cited by the submitters: PubMed 31102827.